The following is an entry in ClinVar:

NM_000257.4(MYH7):c.3149G>C (p.Arg1050Pro)

Gene: MYH7 (myosin heavy chain 7; minus strand). Cytogenetic location: 14q11.2.
Variant type: single nucleotide variant.
Coding change: c.3149G>C on transcript NM_000257.4 (MANE Select); coding-DNA position 3149, G replaced by C.
Protein change: p.Arg1050Pro; replaces arginine 1050 with proline.
Molecular consequence: missense variant.
Genome position (GRCh38, 1-based): chr14:23,422,276, C>G on the plus strand (G>C on the coding strand, the complement: MYH7 is on the minus strand). VCF-style: chr14-23422276-C-G. GRCh37 (hg19) VCF-style: chr14-23891485-C-G.
Other names: c.3149G>C, p.Arg1050Pro (NM_001407004.1); short protein forms R1050P.
Identifiers: ClinVar variation 2105294 (VCV002105294.4), dbSNP rs759579652, ClinGen allele CA035905.

ClinVar aggregate classification (germline): Uncertain significance (1 of 4 stars; one submission).

Conditions:
Hypertrophic cardiomyopathy. Also called: HYPERTROPHIC MYOCARDIOPATHY. Identifiers: Orphanet 217569, MedGen C0007194, MeSH D002312, MONDO:0005045, HP:0001639.

Allele frequency attached by ClinVar (database versions not stated): ExAC 0.00001.
gnomAD v4.1: 1 of 1,614,136 alleles (0.000062%); highest among the groups gnomAD compares: Non-Finnish European, 0.000085%; no homozygotes.

Submission:

Labcorp Genetics (formerly Invitae), Labcorp
Classification: Uncertain significance for Hypertrophic cardiomyopathy. Last evaluated: 2022-03-01. Review status: criteria provided, single submitter. Criteria: Invitae Variant Classification Sherloc (09022015). Collection method: clinical testing. Allele origin: germline.
Comment: In summary, the available evidence is currently insufficient to determine the role of this variant in disease. Therefore, it has been classified as a Variant of Uncertain Significance. Algorithms developed to predict the effect of missense changes on protein structure and function are either unavailable or do not agree on the potential impact of this missense change (SIFT: "Deleterious"; PolyPhen-2: "Probably Damaging"; Align-GVGD: "Class C0"). This variant has not been reported in the literature in individuals affected with MYH7-related conditions. This variant is present in population databases (rs759579652, gnomAD 0.0009%). This sequence change replaces arginine, which is basic and polar, with proline, which is neutral and non-polar, at codon 1050 of the MYH7 protein (p.Arg1050Pro).